The following is an entry in ClinVar:

ClinVar aggregate classification (germline): Pathogenic (1 of 4 stars; one submission).

Conditions:
Microcephaly-capillary malformation syndrome (MICCAP). Identifiers: Orphanet 294016, MedGen C3280296, MONDO:0013659, OMIM 614261.

Allele frequency attached by ClinVar (database versions not stated): gnomAD exomes 0.00001; ExAC 0.00002.

Submission:

Baylor Genetics
Classification: Pathogenic for Microcephaly-capillary malformation syndrome. Last evaluated: 2018-09-21. Review status: criteria provided, single submitter. Criteria: ACMG Guidelines, 2015. Collection method: clinical testing. Allele origin: paternal. Affected: yes.
Comment: This variant was determined to be pathogenic according to ACMG Guidelines, 2015 [PMID:25741868].

NM_213622.4(STAMBP):c.843_844del (p.Cys282fs)

Gene: STAMBP (STAM binding protein; plus strand). Cytogenetic location: 2p13.1.
Variant type: Deletion.
Coding change: c.843_844del on transcript NM_213622.4 (MANE Select); coding-DNA positions 843 to 844, 2 bases deleted (AT; older notation c.843_844delAT).
Protein change: p.Cys282fs; shifts the reading frame from cysteine 282.
Molecular consequence: frameshift variant. On other transcripts: non-coding transcript variant (4).
Genome position (GRCh38, 1-based): chr2:73,849,463-73,849,464, AT deleted. VCF-style (leftmost placement, unchanged base first): chr2-73849462-CAT-C. GRCh37 (hg19) VCF-style: chr2-74076589-CAT-C.
Other names: c.843_844del, p.Cys282fs (NM_001353967.2, NM_001353968.2, NM_001353969.2 and 3 more transcripts); c.438_439del, p.Cys147fs (NM_001353971.2, NM_001353972.2, NM_001353973.2 and 3 more transcripts); short protein forms C282fs, C147fs.
Identifiers: ClinVar variation 1034283 (VCV001034283.1), dbSNP rs771150854, ClinGen allele CA1717629.
Genomic context (GRCh38, chr2:73,849,462, plus strand): 5'-GGCGGCTGTGCCCACAGTTTCTCCAGTTAGCCAGTGCCAACACTGCCCGGGGAGTGGAGA[CAT>C]GTGGAATTCTCTGTGGAAAACTGGTAAAAAGAAAAAAAAAACCAAACTCTTCTCTGAACC-3'